The following is an entry in ClinVar:

ClinVar aggregate classification (germline): Uncertain significance. Review status: criteria provided, multiple submitters, no conflicts (2 of 4 stars). 2 submissions from 2 submitters: Uncertain significance (2). Last evaluated 2023-12-11.

Allele frequency attached by ClinVar (database versions not stated): gnomAD exomes below 0.00001.
gnomAD v4.1: 4 of 1,580,058 alleles (0.00025%); highest among the groups gnomAD compares: Non-Finnish European, 0.00034%; no homozygotes.

Submissions (2):

Labcorp Genetics (formerly Invitae), Labcorp
Classification: Uncertain significance. Last evaluated: 2023-12-11. Review status: criteria provided, single submitter. Criteria: Invitae Variant Classification Sherloc (09022015). Collection method: clinical testing. Allele origin: germline.
Comment: This sequence change replaces proline, which is neutral and non-polar, with serine, which is neutral and polar, at codon 172 of the KMT2A protein (p.Pro172Ser). This variant is not present in population databases (gnomAD no frequency). This variant has not been reported in the literature in individuals affected with KMT2A-related conditions. ClinVar contains an entry for this variant (Variation ID: 1309151). Advanced modeling of protein sequence and biophysical properties (such as structural, functional, and spatial information, amino acid conservation, physicochemical variation, residue mobility, and thermodynamic stability) performed at Invitae indicates that this missense variant is not expected to disrupt KMT2A protein function with a negative predictive value of 95%. In summary, the available evidence is currently insufficient to determine the role of this variant in disease. Therefore, it has been classified as a Variant of Uncertain Significance.

GeneDx
Classification: Uncertain significance. Last evaluated: 2019-10-25. Review status: criteria provided, single submitter. Criteria: GeneDx Variant Classification Process June 2021. Collection method: clinical testing. Allele origin: germline. Affected: yes.
Comment: Not observed in large population cohorts (Lek et al., 2016); In silico analysis, which includes protein predictors and evolutionary conservation, supports that this variant does not alter protein structure/function; Has not been previously published as pathogenic or benign to our knowledge

NM_001197104.2(KMT2A):c.514C>T (p.Pro172Ser)

Gene: KMT2A (lysine methyltransferase 2A; plus strand). Cytogenetic location: 11q23.3.
Variant type: single nucleotide variant.
Coding change: c.514C>T on transcript NM_001197104.2 (MANE Select); coding-DNA position 514, C replaced by T.
Protein change: p.Pro172Ser; replaces proline 172 with serine.
Molecular consequence: missense variant.
Genome position (GRCh38, 1-based): chr11:118,471,673, C>T. VCF-style: chr11-118471673-C-T. GRCh37 (hg19) VCF-style: chr11-118342388-C-T.
Other names: c.514C>T, p.Pro172Ser (NM_005933.4); short protein forms P172S.
Identifiers: ClinVar variation 1309151 (VCV001309151.5), dbSNP rs2134257080, ClinGen allele CA382806462.